The following is an entry in ClinVar:

ClinVar aggregate classification (germline): Uncertain significance. Review status: criteria provided, multiple submitters, no conflicts (2 of 4 stars). 2 submissions from 2 submitters: Uncertain significance (2). Last evaluated 2025-09-28.

Conditions:
Inborn genetic diseases. Identifiers: MedGen C0950123, MeSH D030342.

gnomAD v4.1: 10 of 1,613,892 alleles (0.00062%); highest among the groups gnomAD compares: African/African-American, 0.0013%; no homozygotes.

Submissions (2):

Ambry Genetics
Classification: Uncertain significance for Inborn genetic diseases. Last evaluated: 2025-09-28. Review status: criteria provided, single submitter. Criteria: Ambry Variant Classification Scheme 2023. Collection method: clinical testing. Allele origin: germline.

Labcorp Genetics (formerly Invitae), Labcorp
Classification: Uncertain significance. Last evaluated: 2024-09-28. Review status: criteria provided, single submitter. Criteria: Invitae Variant Classification Sherloc (09022015). Collection method: clinical testing. Allele origin: germline.
Comment: This sequence change replaces arginine, which is basic and polar, with tryptophan, which is neutral and slightly polar, at codon 999 of the FLNB protein (p.Arg999Trp). This variant is present in population databases (rs746184200, gnomAD 0.002%). This variant has not been reported in the literature in individuals affected with FLNB-related conditions. Invitae Evidence Modeling of protein sequence and biophysical properties (such as structural, functional, and spatial information, amino acid conservation, physicochemical variation, residue mobility, and thermodynamic stability) indicates that this missense variant is not expected to disrupt FLNB protein function with a negative predictive value of 95%. In summary, the available evidence is currently insufficient to determine the role of this variant in disease. Therefore, it has been classified as a Variant of Uncertain Significance.

NM_001457.4(FLNB):c.2995C>T (p.Arg999Trp)

Gene: FLNB (filamin B; plus strand). Cytogenetic location: 3p14.3.
Variant type: single nucleotide variant.
Coding change: c.2995C>T on transcript NM_001457.4 (MANE Select); coding-DNA position 2995, C replaced by T.
Protein change: p.Arg999Trp; replaces arginine 999 with tryptophan.
Molecular consequence: missense variant.
Genome position (GRCh38, 1-based): chr3:58,121,372, C>T. VCF-style: chr3-58121372-C-T. GRCh37 (hg19) VCF-style: chr3-58107099-C-T.
Other names: c.2995C>T, p.Arg999Trp (NM_001164317.2, NM_001164318.2, NM_001164319.2); c.2995C>T (NM_001457.3); short protein forms R999W.
Identifiers: ClinVar variation 3624567 (VCV003624567.3).